The following is an entry in ClinVar:

ClinVar aggregate classification (germline): Uncertain significance (1 of 4 stars; one submission).

Conditions:
PKHD1-related disorder. Also called: PKHD1-related condition.

gnomAD v4.1: 6 of 1,490,930 alleles (0.0004%); highest among the groups gnomAD compares: Non-Finnish European, 0.00056%; no homozygotes.

Submission:

PreventionGenetics, part of Exact Sciences
Classification: Uncertain significance for PKHD1-related condition. Last evaluated: 2026-04-28. Review status: criteria provided, single submitter. Criteria: ACMG Guidelines, 2015. Collection method: clinical testing. Allele origin: germline.
Comment: The PKHD1 c.787T>A variant is predicted to result in the amino acid substitution p.Ser263Thr. To our knowledge, this variant has not been reported in the literature. This variant is reported in 0.00088% of alleles in individuals of European (Non-Finnish) descent in gnomAD. At this time, the clinical significance of this variant is uncertain due to the absence of conclusive functional and genetic evidence.

NM_138694.4(PKHD1):c.787T>A (p.Ser263Thr)

Gene: PKHD1 (PKHD1 ciliary IPT domain containing fibrocystin/polyductin; minus strand). Cytogenetic location: 6p12.2.
Variant type: single nucleotide variant.
Coding change: c.787T>A on transcript NM_138694.4 (MANE Select); coding-DNA position 787, T replaced by A.
Protein change: p.Ser263Thr; replaces serine 263 with threonine.
Molecular consequence: missense variant.
Genome position (GRCh38, 1-based): chr6:52,066,069, A>T on the plus strand (T>A on the coding strand, the complement: PKHD1 is on the minus strand). VCF-style: chr6-52066069-A-T. GRCh37 (hg19) VCF-style: chr6-51930867-A-T.
Other names: c.787T>A, p.Ser263Thr (NM_170724.3); short protein forms S263T.
Identifiers: ClinVar variation 4983151 (VCV004983151.1).